The following is an entry in ClinVar:

ClinVar aggregate classification (germline): Uncertain significance (1 of 4 stars; one submission).

Conditions:
Generalized epilepsy-paroxysmal dyskinesia syndrome (PNKD3). Also called: Generalized epilepsy and paroxysmal dyskinesia; Paroxysmal nonkinesigenic dyskinesia, 3, with or without generalized epilepsy. Identifiers: Orphanet 79137, MedGen C5574945, MONDO:0012276, OMIM 609446.

Allele frequency attached by ClinVar (database versions not stated): gnomAD exomes below 0.00001; TOPMed below 0.00001; gnomAD 0.00001.
gnomAD v4.1: 2 of 1,613,956 alleles (0.00012%); highest among the groups gnomAD compares: Non-Finnish European, 0.00017%; no homozygotes.

Submission:

Labcorp Genetics (formerly Invitae), Labcorp
Classification: Uncertain significance for Generalized epilepsy-paroxysmal dyskinesia syndrome. Last evaluated: 2025-11-03. Review status: criteria provided, single submitter. Criteria: Invitae Variant Classification Sherloc (09022015). Collection method: clinical testing. Allele origin: germline.
Comment: This sequence change replaces phenylalanine, which is neutral and non-polar, with cysteine, which is neutral and slightly polar, at codon 371 of the KCNMA1 protein (p.Phe371Cys). This variant is not present in population databases (gnomAD no frequency). This variant has not been reported in the literature in individuals affected with KCNMA1-related conditions. ClinVar contains an entry for this variant (Variation ID: 2713219). Invitae Evidence Modeling of protein sequence and biophysical properties (such as structural, functional, and spatial information, amino acid conservation, physicochemical variation, residue mobility, and thermodynamic stability) indicates that this missense variant is not expected to disrupt KCNMA1 protein function with a negative predictive value of 80%. In summary, the available evidence is currently insufficient to determine the role of this variant in disease. Therefore, it has been classified as a Variant of Uncertain Significance.

NM_001161352.2(KCNMA1):c.1112T>G (p.Phe371Cys)

Gene: KCNMA1 (potassium calcium-activated channel subfamily M alpha 1; minus strand). Cytogenetic location: 10q22.3.
Variant type: single nucleotide variant.
Coding change: c.1112T>G on transcript NM_001161352.2 (MANE Select); coding-DNA position 1112, T replaced by G.
Protein change: p.Phe371Cys; replaces phenylalanine 371 with cysteine.
Molecular consequence: missense variant.
Genome position (GRCh38, 1-based): chr10:77,110,192, A>C on the plus strand (T>G on the coding strand, the complement: KCNMA1 is on the minus strand). VCF-style: chr10-77110192-A-C. GRCh37 (hg19) VCF-style: chr10-78869950-A-C.
Other names: c.1112T>G, p.Phe371Cys (NM_001014797.3, NM_001161353.2, NM_001271519.2 and 8 more transcripts); c.950T>G, p.Phe317Cys (NM_001271518.2); c.572T>G, p.Phe191Cys (NM_001322838.2); short protein forms F317C, F371C, F191C.
Identifiers: ClinVar variation 2713219 (VCV002713219.3), dbSNP rs1317340688, ClinGen allele CA377409026.